The following is an entry in ClinVar:

NM_002204.4(ITGA3):c.29G>A (p.Arg10His)

Gene: ITGA3 (integrin subunit alpha 3; plus strand). Cytogenetic location: 17q21.33.
Variant type: single nucleotide variant.
Coding change: c.29G>A on transcript NM_002204.4 (MANE Select); coding-DNA position 29, G replaced by A.
Protein change: p.Arg10His; replaces arginine 10 with histidine.
Molecular consequence: missense variant.
Genome position (GRCh38, 1-based): chr17:50,056,468, G>A. VCF-style: chr17-50056468-G-A. GRCh37 (hg19) VCF-style: chr17-48133832-G-A.
Other names: p.Arg10His; short protein forms R10H.
Identifiers: ClinVar variation 3380498 (VCV003380498.1).

ClinVar aggregate classification (germline): Uncertain significance (1 of 4 stars; one submission).

Submission:

Mayo Clinic Laboratories, Mayo Clinic
Classification: Uncertain significance. Last evaluated: 2024-09-12. Review status: criteria provided, single submitter. Criteria: ACMG Guidelines, 2015. Collection method: clinical testing. Allele origin: germline. Observed: 1 variant allele.
Comment: BP4, PM2